The following is an entry in ClinVar:

NM_001792.5(CDH2):c.640C>G (p.Pro214Ala)

Gene: CDH2 (cadherin 2; minus strand). Cytogenetic location: 18q12.1.
Variant type: single nucleotide variant.
Coding change: c.640C>G on transcript NM_001792.5 (MANE Select); coding-DNA position 640, C replaced by G.
Protein change: p.Pro214Ala; replaces proline 214 with alanine.
Molecular consequence: missense variant.
Genome position (GRCh38, 1-based): chr18:28,009,779, G>C on the plus strand (C>G on the coding strand, the complement: CDH2 is on the minus strand). VCF-style: chr18-28009779-G-C. GRCh37 (hg19) VCF-style: chr18-25589743-G-C.
Other names: c.547C>G, p.Pro183Ala (NM_001308176.2); short protein forms P183A, P214A.
Identifiers: ClinVar variation 1753369 (VCV001753369.3), dbSNP rs762240435, ClinGen allele CA8923640.

ClinVar aggregate classification (germline): Uncertain significance. Review status: criteria provided, multiple submitters, no conflicts (2 of 4 stars). 2 submissions from 2 submitters: Uncertain significance (2). Last evaluated 2025-09-10.

Conditions:
Inborn genetic diseases. Identifiers: MedGen C0950123, MeSH D030342.

Allele frequency attached by ClinVar (database versions not stated): ExAC 0.00001; gnomAD exomes 0.00001; TOPMed 0.00001; gnomAD 0.00003.
gnomAD v4.1: 9 of 1,613,976 alleles (0.00056%); highest among the groups gnomAD compares: East Asian, 0.011%; no homozygotes.

Submissions (2):

Labcorp Genetics (formerly Invitae), Labcorp
Classification: Uncertain significance. Last evaluated: 2025-09-10. Review status: criteria provided, single submitter. Criteria: Invitae Variant Classification Sherloc (09022015). Collection method: clinical testing. Allele origin: germline.
Comment: This sequence change replaces proline, which is neutral and non-polar, with alanine, which is neutral and non-polar, at codon 214 of the CDH2 protein (p.Pro214Ala). This variant is present in population databases (rs762240435, gnomAD 0.005%). This missense change has been observed in individual(s) with clinical features of arrhythmogenic cardiomyopathy (PMID: 38075981). This variant is also known as c.547C>G (p.Pro183Ala). ClinVar contains an entry for this variant (Variation ID: 1753369). An algorithm developed to predict the effect of missense changes on protein structure and function (PolyPhen-2) suggests that this variant is likely to be disruptive. In summary, the available evidence is currently insufficient to determine the role of this variant in disease. Therefore, it has been classified as a Variant of Uncertain Significance.

Ambry Genetics
Classification: Uncertain significance for Inborn genetic diseases. Last evaluated: 2023-02-22. Review status: criteria provided, single submitter. Criteria: Ambry Variant Classification Scheme 2023. Collection method: clinical testing. Allele origin: germline.

Literature cited by the submitters: PubMed 38075981 (cited by Labcorp Genetics (formerly Invitae), Labcorp).